The following is an entry in ClinVar:

NM_000368.5(TSC1):c.2317A>T (p.Thr773Ser)

Gene: TSC1 (TSC complex subunit 1; minus strand). Cytogenetic location: 9q34.13.
Variant type: single nucleotide variant.
Coding change: c.2317A>T on transcript NM_000368.5 (MANE Select); coding-DNA position 2317, A replaced by T.
Protein change: p.Thr773Ser; replaces threonine 773 with serine.
Molecular consequence: missense variant. On other transcripts: non-coding transcript variant (5).
Genome position (GRCh38, 1-based): chr9:132,902,679, T>A on the plus strand (A>T on the coding strand, the complement: TSC1 is on the minus strand). VCF-style: chr9-132902679-T-A. GRCh37 (hg19) VCF-style: chr9-135778066-T-A.
Other names: c.2314A>T, p.Thr772Ser (NM_001162426.2, NM_001406597.1, NM_001406598.1 and 4 more transcripts); c.2164A>T, p.Thr722Ser (NM_001162427.2, NM_001406610.1); c.1954A>T, p.Thr652Ser (NM_001362177.2, NM_001406614.1, NM_001406615.1 and 5 more transcripts); c.2317A>T, p.Thr773Ser (NM_001406592.1, NM_001406593.1, NM_001406594.1 and 5 more transcripts); c.2302A>T, p.Thr768Ser (NM_001406601.1, NM_001406602.1); c.2299A>T, p.Thr767Ser (NM_001406603.1, NM_001406604.1); c.2161A>T, p.Thr721Ser (NM_001406611.1, NM_001406612.1, NM_001406613.1); c.1951A>T, p.Thr651Ser (NM_001406620.1, NM_001406621.1, NM_001406622.1 and 2 more transcripts); and 3 more; short protein forms T422S, T455S, T456S, T651S, T652S, T721S, T722S, T767S.
Identifiers: ClinVar variation 3231301 (VCV003231301.1), dbSNP rs772652234, ClinGen allele CA375359561.

ClinVar aggregate classification (germline): Uncertain significance (1 of 4 stars; one submission).

Conditions:
Hereditary cancer-predisposing syndrome. Also called: Neoplastic Syndromes, Hereditary; Tumor predisposition; Hereditary neoplastic syndrome; Hereditary Cancer Syndrome. Identifiers: Orphanet 140162, MedGen C0027672, MeSH D009386, MONDO:0015356.

Submission:

Ambry Genetics
Classification: Uncertain significance for Hereditary cancer-predisposing syndrome. Last evaluated: 2023-09-27. Review status: criteria provided, single submitter. Criteria: Ambry Variant Classification Scheme 2023. Collection method: clinical testing. Allele origin: germline.
Comment: The p.T773S variant (also known as c.2317A>T), located in coding exon 16 of the TSC1 gene, results from an A to T substitution at nucleotide position 2317. The threonine at codon 773 is replaced by serine, an amino acid with similar properties. This amino acid position is conserved. In addition, this alteration is predicted to be tolerated by in silico analysis. Since supporting evidence is limited at this time, the clinical significance of this alteration remains unclear.